The following is an entry in ClinVar:

ClinVar aggregate classification (germline): Uncertain significance (1 of 4 stars; one submission).

Conditions:
Nemaline myopathy 2 (NEM2). Also called: Nemaline myopathy 2, autosomal recessive. Identifiers: MedGen C1850569, MONDO:0009725, OMIM 256030.

Allele frequency attached by ClinVar (database versions not stated): TOPMed below 0.00001.

Submission:

Labcorp Genetics (formerly Invitae), Labcorp
Classification: Uncertain significance for Nemaline myopathy 2. Last evaluated: 2021-05-29. Review status: criteria provided, single submitter. Criteria: Invitae Variant Classification Sherloc (09022015). Collection method: clinical testing. Allele origin: germline.
Comment: This sequence change replaces glutamic acid with alanine at codon 3250 of the NEB protein (p.Glu3250Ala). The glutamic acid residue is moderately conserved and there is a moderate physicochemical difference between glutamic acid and alanine. This variant is not present in population databases (ExAC no frequency). This variant has not been reported in the literature in individuals with NEB-related conditions. Algorithms developed to predict the effect of missense changes on protein structure and function are either unavailable or do not agree on the potential impact of this missense change (SIFT: "Deleterious"; PolyPhen-2: "Not Available"; Align-GVGD: "Class C0"). In summary, the available evidence is currently insufficient to determine the role of this variant in disease. Therefore, it has been classified as a Variant of Uncertain Significance.

NM_001164508.2(NEB):c.9749A>C (p.Glu3250Ala)

Gene: NEB (nebulin; minus strand). Cytogenetic location: 2q23.3.
Variant type: single nucleotide variant.
Coding change: c.9749A>C on transcript NM_001164508.2 (MANE Select); coding-DNA position 9749, A replaced by C.
Protein change: p.Glu3250Ala; replaces glutamic acid 3250 with alanine.
Molecular consequence: missense variant.
Genome position (GRCh38, 1-based): chr2:151,629,621, T>G on the plus strand (A>C on the coding strand, the complement: NEB is on the minus strand). VCF-style: chr2-151629621-T-G. GRCh37 (hg19) VCF-style: chr2-152486135-T-G.
Other names: c.9749A>C, p.Glu3250Ala (NM_001164507.2, NM_001271208.2); c.9020A>C, p.Glu3007Ala (NM_004543.5); short protein forms E3250A, E3007A.
Identifiers: ClinVar variation 2031975 (VCV002031975.1), dbSNP rs2098615949, ClinGen allele CA348798297.